The following is an entry in ClinVar:

NM_007294.4(BRCA1):c.1940G>A (p.Ser647Asn)

Gene: BRCA1 (BRCA1 DNA repair associated; minus strand). Cytogenetic location: 17q21.31.
Variant type: single nucleotide variant.
Coding change: c.1940G>A on transcript NM_007294.4 (MANE Select); coding-DNA position 1940, G replaced by A.
Protein change: p.Ser647Asn; replaces serine 647 with asparagine.
Molecular consequence: missense variant. On other transcripts: intron variant (137).
Genome position (GRCh38, 1-based): chr17:43,093,591, C>T on the plus strand (G>A on the coding strand, the complement: BRCA1 is on the minus strand). VCF-style: chr17-43093591-C-T. GRCh37 (hg19) VCF-style: chr17-41245608-C-T.
Other names: c.1607G>A, p.Ser536Asn (NM_001407947.1, NM_001407949.1, NM_001407948.1 and 6 more transcripts); c.1604G>A, p.Ser535Asn (NM_001407955.1, NM_001407954.1, NM_001407956.1 and 1 more transcripts); c.1559G>A, p.Ser520Asn (NM_001407959.1, NM_001407963.1, NM_001407960.1); c.1556G>A, p.Ser519Asn (NM_001407962.1); c.1796G>A, p.Ser599Asn (NM_001407964.1, NM_001407849.1, NM_001407740.1 and 20 more transcripts); c.1814G>A, p.Ser605Asn (NM_001407649.1, NM_001407670.1, NM_001407671.1 and 11 more transcripts); c.1817G>A, p.Ser606Asn (NM_001407648.1, NM_001407664.1, NM_001407665.1 and 19 more transcripts); c.1931G>A, p.Ser644Asn (NM_001407647.1, NM_001407646.1); and 40 more; short protein forms S536N, S559N, S576N, S579N, S580N, S605N, S479N, S520N.
Identifiers: ClinVar variation 3634680 (VCV003634680.2).

ClinVar aggregate classification (germline): Uncertain significance (1 of 4 stars; one submission).

Conditions:
Hereditary breast ovarian cancer syndrome. Also called: Hereditary breast and ovarian cancer syndrome; Hereditary breast and ovarian cancer syndrome (HBOC); BRCA1- and BRCA2-Associated Hereditary Breast and Ovarian Cancer; Hereditary breast and ovarian cancer; Breast and ovarian cancer; Hereditary breast and/or ovarian cancer syndrome. Identifiers: Orphanet 145, MedGen C0677776, MeSH D061325, MONDO:0003582. Disease mechanism: loss of function.

Submission:

Labcorp Genetics (formerly Invitae), Labcorp
Classification: Uncertain significance for Hereditary breast ovarian cancer syndrome. Last evaluated: 2024-10-27. Review status: criteria provided, single submitter. Criteria: Invitae Variant Classification Sherloc (09022015). Collection method: clinical testing. Allele origin: germline.
Comment: This sequence change replaces serine, which is neutral and polar, with asparagine, which is neutral and polar, at codon 647 of the BRCA1 protein (p.Ser647Asn). This variant is not present in population databases (gnomAD no frequency). This missense change has been observed in individual(s) with breast and/or ovarian cancer (PMID: 21120943). Invitae Evidence Modeling of protein sequence and biophysical properties (such as structural, functional, and spatial information, amino acid conservation, physicochemical variation, residue mobility, and thermodynamic stability) indicates that this missense variant is not expected to disrupt BRCA1 protein function with a negative predictive value of 80%. In summary, the available evidence is currently insufficient to determine the role of this variant in disease. Therefore, it has been classified as a Variant of Uncertain Significance.

Literature cited by the submitters: PubMed 21120943.